The following is an entry in ClinVar:

NM_015425.6(POLR1A):c.3338G>A (p.Arg1113His)

Gene: POLR1A (RNA polymerase I subunit A; minus strand). Cytogenetic location: 2p11.2.
Variant type: single nucleotide variant.
Coding change: c.3338G>A on transcript NM_015425.6 (MANE Select); coding-DNA position 3338, G replaced by A.
Protein change: p.Arg1113His; replaces arginine 1113 with histidine.
Molecular consequence: missense variant.
Genome position (GRCh38, 1-based): chr2:86,042,993, C>T on the plus strand (G>A on the coding strand, the complement: POLR1A is on the minus strand). VCF-style: chr2-86042993-C-T. GRCh37 (hg19) VCF-style: chr2-86270116-C-T.
Other names: c.3338G>A (NM_015425.3); short protein forms R1113H.
Identifiers: ClinVar variation 1464881 (VCV001464881.7), dbSNP rs557987955, ClinGen allele CA1745807.

ClinVar aggregate classification (germline): Uncertain significance. Review status: criteria provided, multiple submitters, no conflicts (2 of 4 stars). 2 submissions from 2 submitters: Uncertain significance (2). Last evaluated 2026-01-09.

Conditions:
Inborn genetic diseases. Identifiers: MedGen C0950123, MeSH D030342.

Allele frequency attached by ClinVar (database versions not stated): ExAC 0.00002; gnomAD exomes 0.00002; TOPMed 0.00003; gnomAD 0.00004; 1000 Genomes Project 0.00020; 1000 Genomes Project 30x 0.00031.
gnomAD v4.1: 32 of 1,613,594 alleles (0.002%); highest among the groups gnomAD compares: Middle Eastern, 0.017%; no homozygotes.

Submissions (2):

Labcorp Genetics (formerly Invitae), Labcorp
Classification: Uncertain significance. Last evaluated: 2026-01-09. Review status: criteria provided, single submitter. Criteria: Invitae Variant Classification Sherloc (09022015). Collection method: clinical testing. Allele origin: germline.
Comment: This sequence change replaces arginine, which is basic and polar, with histidine, which is basic and polar, at codon 1113 of the POLR1A protein (p.Arg1113His). This variant is present in population databases (rs557987955, gnomAD 0.01%). This variant has not been reported in the literature in individuals affected with POLR1A-related conditions. ClinVar contains an entry for this variant (Variation ID: 1464881). Invitae Evidence Modeling of protein sequence and biophysical properties (such as structural, functional, and spatial information, amino acid conservation, physicochemical variation, residue mobility, and thermodynamic stability) indicates that this missense variant is expected to disrupt POLR1A protein function with a positive predictive value of 80%. In summary, the available evidence is currently insufficient to determine the role of this variant in disease. Therefore, it has been classified as a Variant of Uncertain Significance.

Ambry Genetics
Classification: Uncertain significance for Inborn genetic diseases. Last evaluated: 2025-08-10. Review status: criteria provided, single submitter. Criteria: Ambry Variant Classification Scheme 2023. Collection method: clinical testing. Allele origin: germline.